The following is an entry in ClinVar:

ClinVar aggregate classification (germline): Uncertain significance. Review status: criteria provided, multiple submitters, no conflicts (2 of 4 stars). 2 submissions from 2 submitters: Uncertain significance (2). Last evaluated 2023-05-27.

Conditions:
Cardiovascular phenotype. Identifiers: MedGen CN230736.
Dilated cardiomyopathy 1KK (CMD1KK). Identifiers: Orphanet 154, Orphanet 75249, MedGen C3714995, MONDO:0014100, OMIM 615248.

Allele frequency attached by ClinVar (database versions not stated): ExAC 0.00002; gnomAD 0.00003; TOPMed 0.00005.
gnomAD v4.1: 5 of 1,613,846 alleles (0.00031%); highest among the groups gnomAD compares: African/African-American, 0.0067%; no homozygotes.

Submissions (2):

Ambry Genetics
Classification: Uncertain significance for Cardiovascular phenotype. Last evaluated: 2023-05-27. Review status: criteria provided, single submitter. Criteria: Ambry Variant Classification Scheme 2023. Collection method: clinical testing. Allele origin: germline.
Comment: The p.A411T variant (also known as c.1231G>A), located in coding exon 4 of the MYPN gene, results from a G to A substitution at nucleotide position 1231. The alanine at codon 411 is replaced by threonine, an amino acid with similar properties. This amino acid position is conserved. In addition, this alteration is predicted to be tolerated by in silico analysis. Since supporting evidence is limited at this time, the clinical significance of this alteration remains unclear.

Labcorp Genetics (formerly Invitae), Labcorp
Classification: Uncertain significance for Dilated cardiomyopathy 1KK. Last evaluated: 2022-07-03. Review status: criteria provided, single submitter. Criteria: Invitae Variant Classification Sherloc (09022015). Collection method: clinical testing. Allele origin: germline.
Comment: In summary, the available evidence is currently insufficient to determine the role of this variant in disease. Therefore, it has been classified as a Variant of Uncertain Significance. Algorithms developed to predict the effect of missense changes on protein structure and function output the following: SIFT: "Tolerated"; PolyPhen-2: "Benign"; Align-GVGD: "Class C0". The threonine amino acid residue is found in multiple mammalian species, which suggests that this missense change does not adversely affect protein function. This variant has not been reported in the literature in individuals affected with MYPN-related conditions. This variant is present in population databases (rs781319558, gnomAD 0.02%). This sequence change replaces alanine, which is neutral and non-polar, with threonine, which is neutral and polar, at codon 411 of the MYPN protein (p.Ala411Thr).

NM_032578.4(MYPN):c.1231G>A (p.Ala411Thr)

Gene: MYPN (myopalladin; plus strand). Cytogenetic location: 10q21.3.
Variant type: single nucleotide variant.
Coding change: c.1231G>A on transcript NM_032578.4 (MANE Select); coding-DNA position 1231, G replaced by A.
Protein change: p.Ala411Thr; replaces alanine 411 with threonine.
Molecular consequence: missense variant. On other transcripts: non-coding transcript variant (2).
Genome position (GRCh38, 1-based): chr10:68,148,453, G>A. VCF-style: chr10-68148453-G-A. GRCh37 (hg19) VCF-style: chr10-69908210-G-A.
Other names: c.1231G>A, p.Ala411Thr (NM_001256267.2); c.349G>A, p.Ala117Thr (NM_001256268.2); c.1231G>A (NM_032578.2); short protein forms A117T, A411T.
Identifiers: ClinVar variation 1991592 (VCV001991592.6), dbSNP rs781319558, ClinGen allele CA5522480.